The following is an entry in ClinVar:

ClinVar aggregate classification (germline): Conflicting classifications of pathogenicity. Review status: criteria provided, conflicting classifications (1 of 4 stars). 3 submissions from 3 submitters: Uncertain significance (1); Likely benign (2). Last evaluated 2025-03-19.

Conditions:
Hereditary cancer-predisposing syndrome. Also called: Tumor predisposition; Neoplastic Syndromes, Hereditary; Hereditary Cancer Syndrome; Hereditary neoplastic syndrome. Identifiers: Orphanet 140162, MedGen C0027672, MeSH D009386, MONDO:0015356.
Hereditary diffuse gastric adenocarcinoma (HDGC). Also called: DIFFUSE GASTRIC AND LOBULAR BREAST CANCER SYNDROME. Identifiers: Orphanet 26106, MedGen C1708349, MONDO:0007648, OMIM 137215.

Submissions (3):

Labcorp Genetics (formerly Invitae), Labcorp
Classification: Uncertain significance for Hereditary diffuse gastric adenocarcinoma. Last evaluated: 2025-03-19. Review status: criteria provided, single submitter. Criteria: Invitae Variant Classification Sherloc (09022015). Collection method: clinical testing. Allele origin: germline.
Comment: This sequence change falls in intron 9 of the CDH1 gene. It does not directly change the encoded amino acid sequence of the CDH1 protein. It affects a nucleotide within the consensus splice site. This variant is not present in population databases (gnomAD no frequency). This variant has not been reported in the literature in individuals affected with CDH1-related conditions. ClinVar contains an entry for this variant (Variation ID: 1769912). Variants that disrupt the consensus splice site are a relatively common cause of aberrant splicing (PMID: 17576681, 9536098). Algorithms developed to predict the effect of sequence changes on RNA splicing suggest that this variant is not likely to affect RNA splicing. In summary, the available evidence is currently insufficient to determine the role of this variant in disease. Therefore, it has been classified as a Variant of Uncertain Significance.

Myriad Genetics, Inc.
Classification: Likely benign for Hereditary diffuse gastric adenocarcinoma. Last evaluated: 2024-09-18. Review status: criteria provided, single submitter. Criteria: Myriad Autosomal Dominant, Autosomal Recessive and X-Linked Classification Criteria (2023). Collection method: clinical testing. Allele origin: unknown.
Comment: This variant is considered likely benign. This variant is intronic and is not expected to impact mRNA splicing.

Ambry Genetics
Classification: Likely benign for Hereditary cancer-predisposing syndrome. Last evaluated: 2021-06-01. Review status: criteria provided, single submitter. Criteria: Ambry Variant Classification Scheme 2023. Collection method: clinical testing. Allele origin: germline.

Literature cited by the submitters: PubMed 17576681 (cited by Labcorp Genetics (formerly Invitae), Labcorp); PubMed 9536098 (cited by Labcorp Genetics (formerly Invitae), Labcorp).

NM_004360.5(CDH1):c.1321-3T>C

Gene: CDH1 (cadherin 1; plus strand). Cytogenetic location: 16q22.1.
Variant type: single nucleotide variant.
Coding change: c.1321-3T>C on transcript NM_004360.5 (MANE Select); 3 bases into the intron before coding-DNA position 1321, T replaced by C.
Molecular consequence: intron variant.
Genome position (GRCh38, 1-based): chr16:68,815,512, T>C. VCF-style: chr16-68815512-T-C. GRCh37 (hg19) VCF-style: chr16-68849415-T-C.
Other names: c.-228-3T>C (NM_001317185.2); c.-499-3T>C (NM_001317186.2); c.1138-3T>C (NM_001317184.2).
Identifiers: ClinVar variation 1769912 (VCV001769912.6), dbSNP rs2152134662, ClinGen allele CA2580091951.